The following is an entry in ClinVar:

ClinVar aggregate classification (germline): Likely benign. Review status: criteria provided, multiple submitters, no conflicts (2 of 4 stars). 2 submissions from 2 submitters: Likely benign (2). Last evaluated 2025-12-19.

Allele frequency attached by ClinVar (database versions not stated): gnomAD exomes 0.00007; gnomAD 0.00009; ESP Exome Variant Server 0.00015; 1000 Genomes Project 30x 0.00016; 1000 Genomes Project 0.00020; TOPMed 0.00021; ExAC 0.00022.
gnomAD v4.1: 117 of 1,613,812 alleles (0.0072%); highest among the groups gnomAD compares: East Asian, 0.12%; no homozygotes.

Submissions (2):

Labcorp Genetics (formerly Invitae), Labcorp
Classification: Likely benign. Last evaluated: 2025-12-19. Review status: criteria provided, single submitter. Criteria: Invitae Variant Classification Sherloc (09022015). Collection method: clinical testing. Allele origin: germline.

CeGaT Center for Human Genetics Tuebingen
Classification: Likely benign. Last evaluated: 2022-08-01. Review status: criteria provided, single submitter. Criteria: CeGaT Center For Human Genetics Tuebingen Variant Classification Criteria Version 2. Collection method: clinical testing. Allele origin: germline. Affected: yes. Observed: 1 variant allele.
Comment: DDX11: BS1

NM_030653.4(DDX11):c.1840C>T (p.Arg614Trp)

Gene: DDX11 (DEAD/H-box helicase 11; plus strand). Cytogenetic location: 12p11.21.
Variant type: single nucleotide variant.
Coding change: c.1840C>T on transcript NM_030653.4 (MANE Select); coding-DNA position 1840, C replaced by T.
Protein change: p.Arg614Trp; replaces arginine 614 with tryptophan.
Molecular consequence: missense variant. On other transcripts: non-coding transcript variant (4).
Genome position (GRCh38, 1-based): chr12:31,097,962, C>T. VCF-style: chr12-31097962-C-T. GRCh37 (hg19) VCF-style: chr12-31250896-C-T.
Other names: c.1840C>T, p.Arg614Trp (NM_001257144.2, NM_001413692.1, NM_001413693.1 and 5 more transcripts); c.1762C>T, p.Arg588Trp (NM_001257145.2, NM_001413697.1, NM_001413698.1 and 1 more transcripts); c.1753C>T, p.Arg585Trp (NM_001413700.1); c.1312C>T, p.Arg438Trp (NM_001413702.1, NM_001413703.1); c.979C>T, p.Arg327Trp (NM_001413704.1, NM_001413705.1); c.874C>T, p.Arg292Trp (NM_001413706.1); short protein forms R292W, R327W, R438W, R585W, R588W, R614W.
Identifiers: ClinVar variation 2642821 (VCV002642821.25), dbSNP rs137929091, ClinGen allele CA6501512.